The following is an entry in ClinVar:

NM_016616.5(NME8):c.25C>T (p.Gln9Ter)

Gene: NME8 (NME/NM23 family member 8; plus strand). Cytogenetic location: 7p14.1.
Variant type: single nucleotide variant.
Coding change: c.25C>T on transcript NM_016616.5 (MANE Select); coding-DNA position 25, C replaced by T.
Protein change: p.Gln9Ter; replaces glutamine 9 with a stop codon.
Molecular consequence: nonsense.
Genome position (GRCh38, 1-based): chr7:37,850,291, C>T. VCF-style: chr7-37850291-C-T. GRCh37 (hg19) VCF-style: chr7-37889893-C-T.
Other names: short protein forms Q9*.
Identifiers: ClinVar variation 4797880 (VCV004797880.1).

ClinVar aggregate classification (germline): Uncertain significance (1 of 4 stars; one submission).

Conditions:
Primary ciliary dyskinesia 6. Also called: Primary Ciliary Dyskinesia 6: TXNDC3-Related Primary Ciliary Dyskinesia. Identifiers: Orphanet 244, MedGen C1970506, MONDO:0012571, OMIM 610852.

gnomAD v4.1: 4 of 1,613,916 alleles (0.00025%); highest among the groups gnomAD compares: East Asian, 0.0022%; no homozygotes.

Submission:

Labcorp Genetics (formerly Invitae), Labcorp
Classification: Uncertain significance for Primary ciliary dyskinesia 6. Last evaluated: 2025-09-13. Review status: criteria provided, single submitter. Criteria: Invitae Variant Classification Sherloc (09022015). Collection method: clinical testing. Allele origin: germline.
Comment: This sequence change creates a premature translational stop signal (p.Gln9*) in the NME8 gene. It is expected to result in an absent or disrupted protein product. However, the current clinical and genetic evidence is not sufficient to establish whether loss-of-function variants in NME8 cause disease. This variant is not present in population databases (gnomAD no frequency). This variant has not been reported in the literature in individuals affected with NME8-related conditions. Algorithms developed to predict the effect of sequence changes on RNA splicing suggest that this variant may disrupt the consensus splice site. In summary, the available evidence is currently insufficient to determine the role of this variant in disease. Therefore, it has been classified as a Variant of Uncertain Significance.